The following is an entry in ClinVar:

NM_002227.4(JAK1):c.2425C>T (p.Arg809Trp)

Gene: JAK1 (Janus kinase 1; minus strand). Cytogenetic location: 1p31.3.
Variant type: single nucleotide variant.
Coding change: c.2425C>T on transcript NM_002227.4 (MANE Select); coding-DNA position 2425, C replaced by T.
Protein change: p.Arg809Trp; replaces arginine 809 with tryptophan.
Molecular consequence: missense variant.
Genome position (GRCh38, 1-based): chr1:64,841,580, G>A on the plus strand (C>T on the coding strand, the complement: JAK1 is on the minus strand). VCF-style: chr1-64841580-G-A. GRCh37 (hg19) VCF-style: chr1-65307263-G-A.
Other names: p.Arg809Trp; c.2425C>T (NM_002227.2); c.2425C>T, p.Arg809Trp (NM_001320923.2, NM_001321852.2, NM_001321853.2 and 3 more transcripts); c.2422C>T, p.Arg808Trp (NM_001321857.2); short protein forms R808W, R809W.
Identifiers: ClinVar variation 3336605 (VCV003336605.5).

ClinVar aggregate classification (germline): Conflicting classifications of pathogenicity. Review status: criteria provided, conflicting classifications (1 of 4 stars). 4 submissions from 4 submitters: Likely pathogenic (1); Uncertain significance (3). Last evaluated 2026-04-28.

Conditions:
Autoinflammation, immune dysregulation, and eosinophilia. Also called: ATOPIC DERMATITIS, ENTERITIS, COLITIS, AND EOSINOPHILIA. Identifiers: MedGen C5436572, MONDO:0033558, OMIM 618999.
Inborn genetic diseases. Identifiers: MedGen C0950123, MeSH D030342.

gnomAD v4.1: 3 of 1,613,992 alleles (0.00019%); highest among the groups gnomAD compares: Non-Finnish European, 0.00025%; no homozygotes.

Submissions (4):

Ambry Genetics
Classification: Uncertain significance for Inborn genetic diseases. Last evaluated: 2026-04-28. Review status: criteria provided, single submitter. Criteria: Ambry Variant Classification Scheme 2023. Collection method: clinical testing. Allele origin: germline.

Labcorp Genetics (formerly Invitae), Labcorp
Classification: Uncertain significance. Last evaluated: 2025-03-25. Review status: criteria provided, single submitter. Criteria: Invitae Variant Classification Sherloc (09022015). Collection method: clinical testing. Allele origin: germline.
Comment: This sequence change replaces arginine, which is basic and polar, with tryptophan, which is neutral and slightly polar, at codon 809 of the JAK1 protein (p.Arg809Trp). This variant is not present in population databases (gnomAD no frequency). This variant has not been reported in the literature in individuals affected with JAK1-related conditions. ClinVar contains an entry for this variant (Variation ID: 3336605). Invitae Evidence Modeling of protein sequence and biophysical properties (such as structural, functional, and spatial information, amino acid conservation, physicochemical variation, residue mobility, and thermodynamic stability) indicates that this missense variant is not expected to disrupt JAK1 protein function with a negative predictive value of 80%. In summary, the available evidence is currently insufficient to determine the role of this variant in disease. Therefore, it has been classified as a Variant of Uncertain Significance.

Molecular Genetics and NGS Laboratory, Hospital Fundacion Valle Del Lili
Classification: Likely pathogenic for Autoinflammation, immune dysregulation, and eosinophilia. Last evaluated: 2024-08-05. Review status: criteria provided, single submitter. Criteria: ACMG Guidelines, 2015. Collection method: clinical testing. Allele origin: germline. Affected: yes. Observed: 1 variant allele.

GeneDx
Classification: Uncertain significance. Last evaluated: 2024-03-16. Review status: criteria provided, single submitter. Criteria: GeneDx Variant Classification Process June 2021. Collection method: clinical testing. Allele origin: germline. Affected: yes.
Comment: Not observed at significant frequency in large population cohorts (gnomAD); In silico analysis supports that this missense variant has a deleterious effect on protein structure/function; Has not been previously published as pathogenic or benign to our knowledge